The following is an entry in ClinVar:

ClinVar aggregate classification (germline): Likely benign. Review status: criteria provided, multiple submitters, no conflicts (2 of 4 stars). 4 submissions from 4 submitters: Likely benign (4). Last evaluated 2026-09-23.

Conditions:
MYBPC3-related disorder. Also called: MYBPC3-related disorders; MYBPC3-related condition; MYBPC3-related disease.
Cardiovascular phenotype. Identifiers: MedGen CN230736.
Hypertrophic cardiomyopathy. Also called: HYPERTROPHIC MYOCARDIOPATHY. Identifiers: Orphanet 217569, MedGen C0007194, MeSH D002312, MONDO:0005045, HP:0001639.

gnomAD v4.1: 1 of 1,609,688 alleles (0.000062%); no homozygotes.

Submissions (4):

PreventionGenetics, part of Exact Sciences
Classification: Likely benign for MYBPC3-related condition. Last evaluated: 2026-09-23. Review status: criteria provided, single submitter. Criteria: ACMG Guidelines, 2015. Collection method: clinical testing. Allele origin: germline.
Comment: This variant is classified as likely benign based on ACMG/AMP sequence variant interpretation guidelines (Richards et al. 2015 PMID: 25741868, with internal and published modifications).

Labcorp Genetics (formerly Invitae), Labcorp
Classification: Likely benign for Hypertrophic cardiomyopathy. Last evaluated: 2025-02-10. Review status: criteria provided, single submitter. Criteria: Invitae Variant Classification Sherloc (09022015). Collection method: clinical testing. Allele origin: germline.

All of Us Research Program, National Institutes of Health
Classification: Likely benign for Hypertrophic cardiomyopathy. Last evaluated: 2024-07-29. Review status: criteria provided, single submitter. Criteria: ACMG Guidelines, 2015. Collection method: clinical testing. Allele origin: germline. Inheritance: Autosomal dominant inheritance. Observed: 1 variant allele, 1 heterozygote.
Comment: This study involves interpretation of variants in research participants for the purpose of population health screening. Participant phenotype was not available at the time of variant classification. Additional details can be found in publication PMID: 35346344, PMCID: PMC8962531

Ambry Genetics
Classification: Likely benign for Cardiovascular phenotype. Last evaluated: 2024-03-27. Review status: criteria provided, single submitter. Criteria: Ambry Variant Classification Scheme 2023. Collection method: clinical testing. Allele origin: germline.

NM_000256.3(MYBPC3):c.1152C>A (p.Thr384=)

Gene: MYBPC3 (myosin binding protein C3; minus strand). Cytogenetic location: 11p11.2.
Variant type: single nucleotide variant.
Coding change: c.1152C>A on transcript NM_000256.3 (MANE Select); coding-DNA position 1152, C replaced by A.
Protein change: p.Thr384=; no amino-acid change (threonine 384 retained).
Molecular consequence: synonymous variant.
Genome position (GRCh38, 1-based): chr11:47,343,563, G>T on the plus strand (C>A on the coding strand, the complement: MYBPC3 is on the minus strand). VCF-style: chr11-47343563-G-T. GRCh37 (hg19) VCF-style: chr11-47365114-G-T.
Identifiers: ClinVar variation 3297214 (VCV003297214.5).